The following is an entry in ClinVar:

ClinVar aggregate classification (germline): Uncertain significance. Review status: criteria provided, multiple submitters, no conflicts (2 of 4 stars). 2 submissions from 2 submitters: Uncertain significance (2). Last evaluated 2025-01-06.

Conditions:
SLC34A3-related disorder. Also called: SLC34A3-related condition.

Submissions (2):

PreventionGenetics, part of Exact Sciences
Classification: Uncertain significance for SLC34A3-related condition. Last evaluated: 2025-01-06. Review status: criteria provided, single submitter. Criteria: ACMG Guidelines, 2015. Collection method: clinical testing. Allele origin: germline.
Comment: The SLC34A3 c.1006T>C variant is predicted to result in the amino acid substitution p.Cys336Arg. To our knowledge, this variant has not been reported in the literature or in a large population database (gnomAD), indicating this variant is rare. At this time, the clinical significance of this variant is uncertain due to the absence of conclusive functional and genetic evidence.

Labcorp Genetics (formerly Invitae), Labcorp
Classification: Uncertain significance. Last evaluated: 2024-02-14. Review status: criteria provided, single submitter. Criteria: Invitae Variant Classification Sherloc (09022015). Collection method: clinical testing. Allele origin: germline.
Comment: This sequence change replaces cysteine, which is neutral and slightly polar, with arginine, which is basic and polar, at codon 336 of the SLC34A3 protein (p.Cys336Arg). This variant is not present in population databases (gnomAD no frequency). This variant has not been reported in the literature in individuals affected with SLC34A3-related conditions. Advanced modeling of protein sequence and biophysical properties (such as structural, functional, and spatial information, amino acid conservation, physicochemical variation, residue mobility, and thermodynamic stability) has been performed at Invitae for this missense variant, however the output from this modeling did not meet the statistical confidence thresholds required to predict the impact of this variant on SLC34A3 protein function. In summary, the available evidence is currently insufficient to determine the role of this variant in disease. Therefore, it has been classified as a Variant of Uncertain Significance.

NM_001177316.2(SLC34A3):c.1006T>C (p.Cys336Arg)

Gene: SLC34A3 (solute carrier family 34 member 3; plus strand). Cytogenetic location: 9q34.3.
Variant type: single nucleotide variant.
Coding change: c.1006T>C on transcript NM_001177316.2 (MANE Select); coding-DNA position 1006, T replaced by C.
Protein change: p.Cys336Arg; replaces cysteine 336 with arginine.
Molecular consequence: missense variant.
Genome position (GRCh38, 1-based): chr9:137,234,189, T>C. VCF-style: chr9-137234189-T-C. GRCh37 (hg19) VCF-style: chr9-140128641-T-C.
Other names: c.1006T>C, p.Cys336Arg (NM_001177317.2, NM_080877.3); c.1006T>C (NM_080877.2); short protein forms C336R.
Identifiers: ClinVar variation 3640888 (VCV003640888.3).